The following is an entry in ClinVar:

ClinVar aggregate classification (germline): Likely benign. Review status: criteria provided, multiple submitters, no conflicts (2 of 4 stars). 2 submissions from 2 submitters: Likely benign (2). Last evaluated 2026-07-01.

Conditions:
Inborn genetic diseases. Identifiers: MedGen C0950123, MeSH D030342.

Submissions (2):

CeGaT Center for Human Genetics Tuebingen
Classification: Likely benign. Last evaluated: 2026-07-01. Review status: criteria provided, single submitter. Criteria: CeGaT Center For Human Genetics Tuebingen Variant Classification Criteria Version 2. Collection method: clinical testing. Allele origin: germline. Affected: yes. Observed: 1 variant allele.
Comment: KDM1A: PM2:Supporting, BP4, BP7

Ambry Genetics
Classification: Likely benign for Inborn genetic diseases. Last evaluated: 2025-06-21. Review status: criteria provided, single submitter. Criteria: Ambry Variant Classification Scheme 2023. Collection method: clinical testing. Allele origin: germline.

NM_001009999.3(KDM1A):c.2424C>T (p.Pro808=)

Gene: KDM1A (lysine demethylase 1A; plus strand). Cytogenetic location: 1p36.12.
Variant type: single nucleotide variant.
Coding change: c.2424C>T on transcript NM_001009999.3 (MANE Select); coding-DNA position 2424, C replaced by T.
Protein change: p.Pro808=; no amino-acid change (proline 808 retained).
Molecular consequence: synonymous variant.
Genome position (GRCh38, 1-based): chr1:23,082,345, C>T. VCF-style: chr1-23082345-C-T. GRCh37 (hg19) VCF-style: chr1-23408838-C-T.
Other names: c.2370C>T, p.Pro790= (NM_001363654.2); c.2430C>T, p.Pro810= (NM_001410762.1); c.2352C>T, p.Pro784= (NM_001410763.1, NM_015013.4).
Identifiers: ClinVar variation 4091030 (VCV004091030.2).